The following is an entry in ClinVar:

ClinVar aggregate classification (germline): Uncertain significance. Review status: criteria provided, multiple submitters, no conflicts (2 of 4 stars). 2 submissions from 2 submitters: Uncertain significance (2). Last evaluated 2025-05-09.

Conditions:
Autosomal recessive spinocerebellar ataxia 12. Also called: SPINOCEREBELLAR ATAXIA WITH MENTAL RETARDATION AND EPILEPSY. Identifiers: Orphanet 284282, MedGen C3280452, MONDO:0013687, OMIM 614322.
Developmental and epileptic encephalopathy, 1 (DEE1). Also called: Epileptic encephalopathy, early infantile, 1; INFANTILE SPASM SYNDROME, X-LINKED 1; X-linked infantile spasms; West's syndrome; Tonic spasms with clustering, arrest of psychomotor development and hypsarrhythmia on EEG; X-Linked Infantile Spasm Syndrome. Identifiers: MedGen C3463992, MONDO:0010632, OMIM 308350. Disease mechanism: loss of function.

Allele frequency attached by ClinVar (database versions not stated): gnomAD below 0.00001 and 0.00001.
gnomAD v4.1: 4 of 1,613,964 alleles (0.00025%); highest among the groups gnomAD compares: South Asian, 0.0022%; no homozygotes.

Submissions (2):

GeneDx
Classification: Uncertain significance. Last evaluated: 2025-05-09. Review status: criteria provided, single submitter. Criteria: GeneDx Variant Classification Process June 2021. Collection method: clinical testing. Allele origin: germline. Affected: yes.
Comment: Not observed at significant frequency in large population cohorts (gnomAD); In silico analysis supports that this missense variant has a deleterious effect on protein structure/function; Has not been previously published as pathogenic or benign to our knowledge

Labcorp Genetics (formerly Invitae), Labcorp
Classification: Uncertain significance for Developmental and epileptic encephalopathy, 1; Autosomal recessive spinocerebellar ataxia 12. Last evaluated: 2019-09-10. Review status: criteria provided, single submitter. Criteria: Invitae Variant Classification Sherloc (09022015). Collection method: clinical testing. Allele origin: germline.
Comment: In summary, the available evidence is currently insufficient to determine the role of this variant in disease. Therefore, it has been classified as a Variant of Uncertain Significance. Algorithms developed to predict the effect of sequence changes on RNA splicing suggest that this variant may create or strengthen a splice site, but this prediction has not been confirmed by published transcriptional studies. Algorithms developed to predict the effect of missense changes on protein structure and function (SIFT, PolyPhen-2, Align-GVGD) all suggest that this variant is likely to be tolerated, but these predictions have not been confirmed by published functional studies and their clinical significance is uncertain. This variant has not been reported in the literature in individuals with WWOX-related conditions. This variant is not present in population databases (ExAC no frequency). This sequence change replaces aspartic acid with glycine at codon 58 of the WWOX protein (p.Asp58Gly). The aspartic acid residue is moderately conserved and there is a moderate physicochemical difference between aspartic acid and glycine.

NM_016373.4(WWOX):c.173A>G (p.Asp58Gly)

Gene: WWOX (WW domain containing oxidoreductase; plus strand). Cytogenetic location: 16q23.1.
Variant type: single nucleotide variant.
Coding change: c.173A>G on transcript NM_016373.4 (MANE Select); coding-DNA position 173, A replaced by G.
Protein change: p.Asp58Gly; replaces aspartic acid 58 with glycine.
Molecular consequence: missense variant. On other transcripts: 5 prime UTR variant (1), non-coding transcript variant (1).
Genome position (GRCh38, 1-based): chr16:78,109,778, A>G. VCF-style: chr16-78109778-A-G. GRCh37 (hg19) VCF-style: chr16-78143675-A-G.
Other names: c.-167A>G (NM_001291997.2); c.173A>G, p.Asp58Gly (NM_130791.5); c.173A>G (NM_016373.2); short protein forms D58G.
Identifiers: ClinVar variation 937303 (VCV000937303.9), dbSNP rs2032380473, ClinGen allele CA396842126.